The following is an entry in ClinVar:

NM_004360.5(CDH1):c.420C>A (p.Leu140=)

Gene: CDH1 (cadherin 1; plus strand). Cytogenetic location: 16q22.1.
Variant type: single nucleotide variant.
Coding change: c.420C>A on transcript NM_004360.5 (MANE Select); coding-DNA position 420, C replaced by A.
Protein change: p.Leu140=; no amino-acid change (leucine 140 retained).
Molecular consequence: synonymous variant. On other transcripts: 5 prime UTR variant (2).
Genome position (GRCh38, 1-based): chr16:68,808,456, C>A. VCF-style: chr16-68808456-C-A. GRCh37 (hg19) VCF-style: chr16-68842359-C-A.
Other names: c.420C>A, p.Leu140= (NM_001317184.2); c.-1196C>A (NM_001317185.2); c.-1400C>A (NM_001317186.2).
Identifiers: ClinVar variation 2700594 (VCV002700594.4), dbSNP rs763562818, ClinGen allele CA496392169.

ClinVar aggregate classification (germline): Benign/Likely benign. Review status: criteria provided, multiple submitters, no conflicts (2 of 4 stars). 2 submissions from 2 submitters: Benign (1); Likely benign (1). Last evaluated 2024-09-12.

Conditions:
Hereditary diffuse gastric adenocarcinoma (HDGC). Also called: DIFFUSE GASTRIC AND LOBULAR BREAST CANCER SYNDROME. Identifiers: Orphanet 26106, MedGen C1708349, MONDO:0007648, OMIM 137215.

Submissions (2):

Myriad Genetics, Inc.
Classification: Benign for Hereditary diffuse gastric adenocarcinoma. Last evaluated: 2024-09-12. Review status: criteria provided, single submitter. Criteria: Myriad Autosomal Dominant, Autosomal Recessive and X-Linked Classification Criteria (2023). Collection method: clinical testing. Allele origin: unknown.
Comment: This variant is considered benign. This variant is a silent/synonymous amino acid change and it is not expected to impact splicing.

Labcorp Genetics (formerly Invitae), Labcorp
Classification: Likely benign for Hereditary diffuse gastric adenocarcinoma. Last evaluated: 2023-12-03. Review status: criteria provided, single submitter. Criteria: Invitae Variant Classification Sherloc (09022015). Collection method: clinical testing. Allele origin: germline.